The following is an entry in ClinVar:

NM_001369268.1(ACAN):c.1811C>T (p.Thr604Met)

Gene: ACAN (aggrecan; plus strand). Cytogenetic location: 15q26.1.
Variant type: single nucleotide variant.
Coding change: c.1811C>T on transcript NM_001369268.1 (MANE Select); coding-DNA position 1811, C replaced by T.
Protein change: p.Thr604Met; replaces threonine 604 with methionine.
Molecular consequence: missense variant.
Genome position (GRCh38, 1-based): chr15:88,849,516, C>T. VCF-style: chr15-88849516-C-T. GRCh37 (hg19) VCF-style: chr15-89392747-C-T.
Other names: c.1811C>T (NM_013227.3); c.1811C>T, p.Thr604Met (NM_001135.4, NM_001411096.1, NM_001411097.1 and 1 more transcripts); short protein forms T604M.
Identifiers: ClinVar variation 2887464 (VCV002887464.4), dbSNP rs758736365, ClinGen allele CA7719695.

ClinVar aggregate classification (germline): Uncertain significance. Review status: criteria provided, multiple submitters, no conflicts (2 of 4 stars). 2 submissions from 2 submitters: Uncertain significance (2). Last evaluated 2025-11-08.

Conditions:
Inborn genetic diseases. Identifiers: MedGen C0950123, MeSH D030342.

Allele frequency attached by ClinVar (database versions not stated): gnomAD 0.00001; TOPMed 0.00002; ExAC 0.00003.
gnomAD v4.1: 14 of 1,606,554 alleles (0.00087%); highest among the groups gnomAD compares: African/African-American, 0.0027%; no homozygotes.

Submissions (2):

Ambry Genetics
Classification: Uncertain significance for Inborn genetic diseases. Last evaluated: 2025-11-08. Review status: criteria provided, single submitter. Criteria: Ambry Variant Classification Scheme 2023. Collection method: clinical testing. Allele origin: germline.

Labcorp Genetics (formerly Invitae), Labcorp
Classification: Uncertain significance. Last evaluated: 2025-11-08. Review status: criteria provided, single submitter. Criteria: Invitae Variant Classification Sherloc (09022015). Collection method: clinical testing. Allele origin: germline.
Comment: This sequence change replaces threonine, which is neutral and polar, with methionine, which is neutral and non-polar, at codon 604 of the ACAN protein (p.Thr604Met). The frequency data for this variant in the population databases is considered unreliable, as metrics indicate poor data quality at this position in the gnomAD database. This variant has not been reported in the literature in individuals affected with ACAN-related conditions. ClinVar contains an entry for this variant (Variation ID: 2887464). Invitae Evidence Modeling of protein sequence and biophysical properties (such as structural, functional, and spatial information, amino acid conservation, physicochemical variation, residue mobility, and thermodynamic stability) indicates that this missense variant is not expected to disrupt ACAN protein function with a negative predictive value of 80%. In summary, the available evidence is currently insufficient to determine the role of this variant in disease. Therefore, it has been classified as a Variant of Uncertain Significance.